The following is an entry in ClinVar:

ClinVar aggregate classification (germline): Uncertain significance (1 of 4 stars; one submission).

Allele frequency attached by ClinVar (database versions not stated): gnomAD exomes below 0.00001; TOPMed below 0.00001.
gnomAD v4.1: 1 of 1,613,870 alleles (0.000062%); highest among the groups gnomAD compares: Non-Finnish European, 0.000085%; no homozygotes.

Submission:

Labcorp Genetics (formerly Invitae), Labcorp
Classification: Uncertain significance. Last evaluated: 2022-03-19. Review status: criteria provided, single submitter. Criteria: Invitae Variant Classification Sherloc (09022015). Collection method: clinical testing. Allele origin: germline.
Comment: This variant is not present in population databases (gnomAD no frequency). This variant has not been reported in the literature in individuals affected with SCN3A-related conditions. ClinVar contains an entry for this variant (Variation ID: 947387). Algorithms developed to predict the effect of missense changes on protein structure and function are either unavailable or do not agree on the potential impact of this missense change (SIFT: "Deleterious"; PolyPhen-2: "Probably Damaging"; Align-GVGD: "Class C0"). In summary, the available evidence is currently insufficient to determine the role of this variant in disease. Therefore, it has been classified as a Variant of Uncertain Significance. This sequence change replaces glutamic acid, which is acidic and polar, with aspartic acid, which is acidic and polar, at codon 678 of the SCN3A protein (p.Glu678Asp).

NM_006922.4(SCN3A):c.2034A>T (p.Glu678Asp)

Gene: SCN3A (sodium voltage-gated channel alpha subunit 3; minus strand). Cytogenetic location: 2q24.3.
Variant type: single nucleotide variant.
Coding change: c.2034A>T on transcript NM_006922.4 (MANE Select); coding-DNA position 2034, A replaced by T.
Protein change: p.Glu678Asp; replaces glutamic acid 678 with aspartic acid.
Molecular consequence: missense variant.
Genome position (GRCh38, 1-based): chr2:165,139,594, T>A on the plus strand (A>T on the coding strand, the complement: SCN3A is on the minus strand). VCF-style: chr2-165139594-T-A. GRCh37 (hg19) VCF-style: chr2-165996104-T-A.
Other names: c.1887A>T, p.Glu629Asp (NM_001081676.2, NM_001081677.2); short protein forms E678D, E629D.
Identifiers: ClinVar variation 947387 (VCV000947387.9), dbSNP rs1687876817, ClinGen allele CA349045890.